The following is an entry in ClinVar:

ClinVar aggregate classification (germline): Uncertain significance (1 of 4 stars; one submission).

Conditions:
Leukocyte adhesion deficiency 1 (LAD1). Also called: LEUKOCYTE ADHESION DEFICIENCY, TYPE I; LAD 1; Lymphocyte function-associated antigen 1 immunodeficiency; LFA 1 immunodeficiency. Identifiers: Orphanet 2968, Orphanet 99842, MedGen C0398738, MONDO:0007293, OMIM 116920.

Allele frequency attached by ClinVar (database versions not stated): ExAC 0.00001; gnomAD 0.00002; TOPMed 0.00002.
gnomAD v4.1: 18 of 1,613,050 alleles (0.0011%); highest among the groups gnomAD compares: Middle Eastern, 0.016%; no homozygotes.

Submission:

Labcorp Genetics (formerly Invitae), Labcorp
Classification: Uncertain significance for Leukocyte adhesion deficiency 1. Last evaluated: 2022-07-24. Review status: criteria provided, single submitter. Criteria: Invitae Variant Classification Sherloc (09022015). Collection method: clinical testing. Allele origin: germline.
Comment: This sequence change replaces glycine, which is neutral and non-polar, with serine, which is neutral and polar, at codon 550 of the ITGB2 protein (p.Gly550Ser). This variant is present in population databases (rs751424754, gnomAD 0.004%). This variant has not been reported in the literature in individuals affected with ITGB2-related conditions. Algorithms developed to predict the effect of missense changes on protein structure and function (SIFT, PolyPhen-2, Align-GVGD) all suggest that this variant is likely to be disruptive. In summary, the available evidence is currently insufficient to determine the role of this variant in disease. Therefore, it has been classified as a Variant of Uncertain Significance.

NM_000211.5(ITGB2):c.1648G>A (p.Gly550Ser)

Gene: ITGB2 (integrin subunit beta 2; minus strand). Cytogenetic location: 21q22.3.
Variant type: single nucleotide variant.
Coding change: c.1648G>A on transcript NM_000211.5 (MANE Select); coding-DNA position 1648, G replaced by A.
Protein change: p.Gly550Ser; replaces glycine 550 with serine.
Molecular consequence: missense variant.
Genome position (GRCh38, 1-based): chr21:44,889,987, C>T on the plus strand (G>A on the coding strand, the complement: ITGB2 is on the minus strand). VCF-style: chr21-44889987-C-T. GRCh37 (hg19) VCF-style: chr21-46309902-C-T.
Other names: c.1648G>A, p.Gly550Ser (NM_001127491.3); c.1441G>A, p.Gly481Ser (NM_001303238.2); short protein forms G481S, G550S.
Identifiers: ClinVar variation 2414549 (VCV002414549.2), dbSNP rs751424754, ClinGen allele CA10062767.